The following is an entry in ClinVar:

NM_003738.5(PTCH2):c.2335C>T (p.Arg779Cys)

Gene: PTCH2 (patched 2; minus strand). Cytogenetic location: 1p34.1.
Variant type: single nucleotide variant.
Coding change: c.2335C>T on transcript NM_003738.5 (MANE Select); coding-DNA position 2335, C replaced by T.
Protein change: p.Arg779Cys; replaces arginine 779 with cysteine.
Molecular consequence: missense variant.
Genome position (GRCh38, 1-based): chr1:44,827,438, G>A on the plus strand (C>T on the coding strand, the complement: PTCH2 is on the minus strand). VCF-style: chr1-44827438-G-A. GRCh37 (hg19) VCF-style: chr1-45293110-G-A.
Other names: c.2335C>T, p.Arg779Cys (NM_001166292.2); short protein forms R779C.
Identifiers: ClinVar variation 2861224 (VCV002861224.3), dbSNP rs745750666, ClinGen allele CA21744514.

ClinVar aggregate classification (germline): Uncertain significance (1 of 4 stars; one submission).

Conditions:
Gorlin syndrome. Also called: Basal cell nevus syndrome; Nevoid Basal Cell Carcinoma Syndrome. Identifiers: Orphanet 377, MedGen C0004779, MONDO:0007187.

gnomAD v4.1: 7 of 1,613,960 alleles (0.00043%); highest among the groups gnomAD compares: African/African-American, 0.004%; no homozygotes.

Submission:

Labcorp Genetics (formerly Invitae), Labcorp
Classification: Uncertain significance for Gorlin syndrome. Last evaluated: 2023-09-20. Review status: criteria provided, single submitter. Criteria: Invitae Variant Classification Sherloc (09022015). Collection method: clinical testing. Allele origin: germline.
Comment: This variant has not been reported in the literature in individuals affected with PTCH2-related conditions. This variant is present in population databases (no rsID available, gnomAD 0.003%). This sequence change replaces arginine, which is basic and polar, with cysteine, which is neutral and slightly polar, at codon 779 of the PTCH2 protein (p.Arg779Cys). Advanced modeling of protein sequence and biophysical properties (such as structural, functional, and spatial information, amino acid conservation, physicochemical variation, residue mobility, and thermodynamic stability) performed at Invitae indicates that this missense variant is not expected to disrupt PTCH2 protein function. In summary, the available evidence is currently insufficient to determine the role of this variant in disease. Therefore, it has been classified as a Variant of Uncertain Significance.